The following is an entry in ClinVar:

NM_000455.5(STK11):c.645C>G (p.Gly215=)

Gene: STK11 (serine/threonine kinase 11; plus strand). Cytogenetic location: 19p13.3.
Variant type: single nucleotide variant.
Coding change: c.645C>G on transcript NM_000455.5 (MANE Select); coding-DNA position 645, C replaced by G.
Protein change: p.Gly215=; no amino-acid change (glycine 215 retained).
Molecular consequence: synonymous variant.
Genome position (GRCh38, 1-based): chr19:1,220,628, C>G. VCF-style: chr19-1220628-C-G. GRCh37 (hg19) VCF-style: chr19-1220627-C-G.
Identifiers: ClinVar variation 748305 (VCV000748305.14), dbSNP rs1599926859, ClinGen allele CA504892383.

ClinVar aggregate classification (germline): Benign/Likely benign. Review status: criteria provided, multiple submitters, no conflicts (2 of 4 stars). 3 submissions from 3 submitters: Benign (1); Likely benign (2). Last evaluated 2025-03-26.

Conditions:
Hereditary cancer-predisposing syndrome. Also called: Tumor predisposition; Hereditary Cancer Syndrome; Neoplastic Syndromes, Hereditary; Hereditary neoplastic syndrome. Identifiers: Orphanet 140162, MedGen C0027672, MeSH D009386, MONDO:0015356.
Peutz-Jeghers syndrome (PJS). Also called: POLYPOSIS, HAMARTOMATOUS INTESTINAL; POLYPS-AND-SPOTS SYNDROME; Peutz-Jeghers polyposis; Periorificial lentiginosis syndrome. Identifiers: Orphanet 2869, MedGen C0031269, MeSH D010580, MONDO:0008280, OMIM 175200.

gnomAD v4.1: 1 of 1,606,070 alleles (0.000062%); highest among the groups gnomAD compares: Non-Finnish European, 0.000085%; no homozygotes.

Submissions (3):

Myriad Genetics, Inc.
Classification: Benign for Peutz-Jeghers syndrome. Last evaluated: 2025-03-26. Review status: criteria provided, single submitter. Criteria: Myriad Autosomal Dominant, Autosomal Recessive and X-Linked Classification Criteria (2023). Collection method: clinical testing. Allele origin: unknown.
Comment: This variant is considered benign. This variant is a silent/synonymous amino acid change and it is not expected to impact splicing.

Labcorp Genetics (formerly Invitae), Labcorp
Classification: Likely benign for Peutz-Jeghers syndrome. Last evaluated: 2024-06-17. Review status: criteria provided, single submitter. Criteria: Invitae Variant Classification Sherloc (09022015). Collection method: clinical testing. Allele origin: germline.

Ambry Genetics
Classification: Likely benign for Hereditary cancer-predisposing syndrome. Last evaluated: 2019-12-09. Review status: criteria provided, single submitter. Criteria: Ambry Variant Classification Scheme 2023. Collection method: clinical testing. Allele origin: germline.